The following is an entry in ClinVar:

NM_001288705.3(CSF1R):c.1595T>A (p.Leu532Gln)

Gene: CSF1R (colony stimulating factor 1 receptor; minus strand). Cytogenetic location: 5q32.
Variant type: single nucleotide variant.
Coding change: c.1595T>A on transcript NM_001288705.3 (MANE Select); coding-DNA position 1595, T replaced by A.
Protein change: p.Leu532Gln; replaces leucine 532 with glutamine.
Molecular consequence: missense variant. On other transcripts: non-coding transcript variant (2).
Genome position (GRCh38, 1-based): chr5:150,068,246, A>T on the plus strand (T>A on the coding strand, the complement: CSF1R is on the minus strand). VCF-style: chr5-150068246-A-T. GRCh37 (hg19) VCF-style: chr5-149447809-A-T.
Other names: c.1595T>A, p.Leu532Gln (NM_001349736.2, NM_001375320.1, NM_005211.4); c.1151T>A, p.Leu384Gln (NM_001375321.1); short protein forms L384Q, L532Q.
Identifiers: ClinVar variation 3635550 (VCV003635550.2).

ClinVar aggregate classification (germline): Uncertain significance (1 of 4 stars; one submission).

Submission:

Labcorp Genetics (formerly Invitae), Labcorp
Classification: Uncertain significance. Last evaluated: 2024-08-28. Review status: criteria provided, single submitter. Criteria: Invitae Variant Classification Sherloc (09022015). Collection method: clinical testing. Allele origin: germline.
Comment: This sequence change replaces leucine, which is neutral and non-polar, with glutamine, which is neutral and polar, at codon 532 of the CSF1R protein (p.Leu532Gln). This variant is not present in population databases (gnomAD no frequency). This variant has not been reported in the literature in individuals affected with CSF1R-related conditions. Invitae Evidence Modeling of protein sequence and biophysical properties (such as structural, functional, and spatial information, amino acid conservation, physicochemical variation, residue mobility, and thermodynamic stability) indicates that this missense variant is not expected to disrupt CSF1R protein function with a negative predictive value of 95%. In summary, the available evidence is currently insufficient to determine the role of this variant in disease. Therefore, it has been classified as a Variant of Uncertain Significance.